The following is an entry in ClinVar:

NM_015910.7(WDPCP):c.1505A>G (p.Tyr502Cys)

Gene: WDPCP (WD repeat containing planar cell polarity effector; minus strand). Cytogenetic location: 2p15.
Variant type: single nucleotide variant.
Coding change: c.1505A>G on transcript NM_015910.7 (MANE Select); coding-DNA position 1505, A replaced by G.
Protein change: p.Tyr502Cys; replaces tyrosine 502 with cysteine.
Molecular consequence: missense variant. On other transcripts: non-coding transcript variant (3).
Genome position (GRCh38, 1-based): chr2:63,382,025, T>C on the plus strand (A>G on the coding strand, the complement: WDPCP is on the minus strand). VCF-style: chr2-63382025-T-C. GRCh37 (hg19) VCF-style: chr2-63609160-T-C.
Other names: c.1505A>G (NM_015910.5); c.1028A>G, p.Tyr343Cys (NM_001042692.3); c.1433A>G, p.Tyr478Cys (NM_001354044.2); c.1505A>G, p.Tyr502Cys (NM_001354045.2); short protein forms Y343C, Y502C, Y478C.
Identifiers: ClinVar variation 1039333 (VCV001039333.8), dbSNP rs559295906, ClinGen allele CA1682196.

ClinVar aggregate classification (germline): Uncertain significance. Review status: criteria provided, multiple submitters, no conflicts (2 of 4 stars). 2 submissions from 2 submitters: Uncertain significance (2). Last evaluated 2026-09-08.

Conditions:
Bardet-Biedl syndrome (BBS). Identifiers: Orphanet 110, MedGen C0752166, MONDO:0015229.
WDPCP-related disorder. Also called: WDPCP-related condition.

Allele frequency attached by ClinVar (database versions not stated): 1000 Genomes Project 30x 0.00016; 1000 Genomes Project 0.00020; ExAC 0.00001; gnomAD exomes 0.00001; TOPMed 0.00002.
gnomAD v4.1: 13 of 1,613,480 alleles (0.00081%); highest among the groups gnomAD compares: African/African-American, 0.011%; no homozygotes.

Submissions (2):

PreventionGenetics, part of Exact Sciences
Classification: Uncertain significance for WDPCP-related condition. Last evaluated: 2026-09-08. Review status: criteria provided, single submitter. Criteria: ACMG Guidelines, 2015. Collection method: clinical testing. Allele origin: germline.
Comment: The WDPCP c.1505A>G variant is predicted to result in the amino acid substitution p.Tyr502Cys. To our knowledge, this variant has not been reported in the literature. This variant is reported in 0.012% of alleles in individuals of African descent in gnomAD. At this time, the clinical significance of this variant is uncertain due to the absence of conclusive functional and genetic evidence.

Labcorp Genetics (formerly Invitae), Labcorp
Classification: Uncertain significance for Bardet-Biedl syndrome. Last evaluated: 2023-10-03. Review status: criteria provided, single submitter. Criteria: Invitae Variant Classification Sherloc (09022015). Collection method: clinical testing. Allele origin: germline.
Comment: This sequence change replaces tyrosine, which is neutral and polar, with cysteine, which is neutral and slightly polar, at codon 502 of the WDPCP protein (p.Tyr502Cys). This variant is present in population databases (rs559295906, gnomAD 0.01%). This variant has not been reported in the literature in individuals affected with WDPCP-related conditions. ClinVar contains an entry for this variant (Variation ID: 1039333). Advanced modeling of protein sequence and biophysical properties (such as structural, functional, and spatial information, amino acid conservation, physicochemical variation, residue mobility, and thermodynamic stability) performed at Invitae indicates that this missense variant is not expected to disrupt WDPCP protein function. In summary, the available evidence is currently insufficient to determine the role of this variant in disease. Therefore, it has been classified as a Variant of Uncertain Significance.